The following is an entry in ClinVar:

ClinVar aggregate classification (germline): Conflicting classifications of pathogenicity. Review status: criteria provided, conflicting classifications (1 of 4 stars). 5 submissions from 5 submitters: Uncertain significance (4); Likely benign (1). Last evaluated 2026-08-19.

Conditions:
LRSAM1-related disorder. Also called: LRSAM1-related condition.
Inborn genetic diseases. Identifiers: MedGen C0950123, MeSH D030342.
Charcot-Marie-Tooth disease axonal type 2P. Also called: Charcot-Marie-Tooth Neuropathy Type 2G; CHARCOT-MARIE-TOOTH DISEASE, AXONAL, TYPE 2G; CMT 2G; CHARCOT-MARIE-TOOTH NEUROPATHY, TYPE 2P. Identifiers: Orphanet 300319, Orphanet 99941, MedGen C3280797, MONDO:0013753, OMIM 614436.

Allele frequency attached by ClinVar (database versions not stated): ExAC 0.00010; TOPMed 0.00019; ESP Exome Variant Server 0.00023; gnomAD 0.00024 and 0.00027; 1000 Genomes Project 0.00040; 1000 Genomes Project 30x 0.00047.
gnomAD v4.1: 223 of 1,613,046 alleles (0.014%); highest among the groups gnomAD compares: African/African-American, 0.067%; 1 homozygote.

Submissions (5):

PreventionGenetics, part of Exact Sciences
Classification: Uncertain significance for LRSAM1-related condition. Last evaluated: 2026-08-19. Review status: criteria provided, single submitter. Criteria: ACMG Guidelines, 2015. Collection method: clinical testing. Allele origin: germline.
Comment: The LRSAM1 c.2042G>A variant is predicted to result in the amino acid substitution p.Arg681Gln. To our knowledge, this variant has not been reported in the literature. This variant is reported in 0.032% of alleles in individuals of African descent in gnomAD. At this time, the clinical significance of this variant is uncertain due to the absence of conclusive functional and genetic evidence.

GeneDx
Classification: Uncertain significance. Last evaluated: 2026-06-26. Review status: criteria provided, single submitter. Criteria: GeneDx Variant Classification Process June 2021. Collection method: clinical testing. Allele origin: germline.
Comment: In silico analysis suggests that this missense variant does not alter protein structure/function; Has not been previously published as pathogenic or benign to our knowledge; This variant is associated with the following publications: (PMID: 22781092)

Labcorp Genetics (formerly Invitae), Labcorp
Classification: Uncertain significance for Charcot-Marie-Tooth disease axonal type 2P. Last evaluated: 2025-11-11. Review status: criteria provided, single submitter. Criteria: Invitae Variant Classification Sherloc (09022015). Collection method: clinical testing. Allele origin: germline.
Comment: This sequence change replaces arginine, which is basic and polar, with glutamine, which is neutral and polar, at codon 681 of the LRSAM1 protein (p.Arg681Gln). This variant is present in population databases (rs143479340, gnomAD 0.04%). This variant has not been reported in the literature in individuals affected with LRSAM1-related conditions. ClinVar contains an entry for this variant (Variation ID: 540006). Invitae Evidence Modeling of protein sequence and biophysical properties (such as structural, functional, and spatial information, amino acid conservation, physicochemical variation, residue mobility, and thermodynamic stability) indicates that this missense variant is not expected to disrupt LRSAM1 protein function with a negative predictive value of 80%. In summary, the available evidence is currently insufficient to determine the role of this variant in disease. Therefore, it has been classified as a Variant of Uncertain Significance.

Ambry Genetics
Classification: Likely benign for Inborn genetic diseases. Last evaluated: 2021-07-09. Review status: criteria provided, single submitter. Criteria: Ambry Variant Classification Scheme 2023. Collection method: clinical testing. Allele origin: germline.

Breakthrough Genomics
Classification: Uncertain significance. Review status: criteria provided, single submitter. Criteria: ACMG Guidelines, 2015. Collection method: not provided. Allele origin: germline. Inheritance: Autosomal recessive inheritance. Affected: yes.

NM_001005373.4(LRSAM1):c.2042G>A (p.Arg681Gln)

Gene: LRSAM1 (leucine rich repeat and sterile alpha motif containing 1; plus strand). Cytogenetic location: 9q34.11.
Variant type: single nucleotide variant.
Coding change: c.2042G>A on transcript NM_001005373.4 (MANE Select); coding-DNA position 2042, G replaced by A.
Protein change: p.Arg681Gln; replaces arginine 681 with glutamine.
Molecular consequence: missense variant. On other transcripts: non-coding transcript variant (2).
Genome position (GRCh38, 1-based): chr9:127,501,139, G>A. VCF-style: chr9-127501139-G-A. GRCh37 (hg19) VCF-style: chr9-130263418-G-A.
Other names: c.2042G>A (NM_138361.4); c.2042G>A, p.Arg681Gln (NM_001005374.4, NM_001384142.1, NM_138361.5); c.1961G>A, p.Arg654Gln (NM_001190723.3); c.1943G>A, p.Arg648Gln (NM_001384143.1); c.1253G>A, p.Arg418Gln (NM_001384144.1); short protein forms R681Q, R654Q, R418Q, R648Q.
Identifiers: ClinVar variation 540006 (VCV000540006.16), dbSNP rs143479340, ClinGen allele CA5247233.
Genomic context (GRCh38, chr9:127,501,139, plus strand): 5'-CATCCGCTCCCCCTGCAGAGCTGGAGGTGCAGGCCTCAGAGTGTGTCGTGTGCCTGGAAC[G>A]GGAGGTAAGTCCGGGGCCCTCCCCACCCGCCTGCCCTGCCTGTGGCCACCCTCCTCAAAT-3'
Protein context (NP_001005373.1, residues 671-691): QASECVVCLE[Arg681Gln]EAQMIFLNCG